The following is an entry in ClinVar:

NM_000228.3(LAMB3):c.183+1G>A

Gene: LAMB3 (laminin subunit beta 3; minus strand). Cytogenetic location: 1q32.2.
Variant type: single nucleotide variant.
Coding change: c.183+1G>A on transcript NM_000228.3 (MANE Select); the canonical splice donor site of the intron after coding-DNA position 183, G replaced by A.
Molecular consequence: splice donor variant.
Genome position (GRCh38, 1-based): chr1:209,649,963, C>T on the plus strand (G>A on the coding strand, the complement: LAMB3 is on the minus strand). VCF-style: chr1-209649963-C-T. GRCh37 (hg19) VCF-style: chr1-209823308-C-T.
Other names: c.183+1G>A (NM_001127641.1, NM_001017402.2).
Identifiers: ClinVar variation 2046790 (VCV002046790.4), dbSNP rs2464953434, ClinGen allele CA344566099.

ClinVar aggregate classification (germline): Likely pathogenic (1 of 4 stars; one submission).

Submission:

Labcorp Genetics (formerly Invitae), Labcorp
Classification: Likely pathogenic. Last evaluated: 2021-12-18. Review status: criteria provided, single submitter. Criteria: Invitae Variant Classification Sherloc (09022015). Collection method: clinical testing. Allele origin: germline.
Comment: Disruption of this splice site has been observed in individual(s) with junctional epidermolysis bullosa (PMID: 16473856). This sequence change affects a donor splice site in intron 3 of the LAMB3 gene. It is expected to disrupt RNA splicing. Variants that disrupt the donor or acceptor splice site typically lead to a loss of protein function (PMID: 16199547), and loss-of-function variants in LAMB3 are known to be pathogenic (PMID: 11023379, 16473856). This variant is not present in population databases (gnomAD no frequency). Algorithms developed to predict the effect of sequence changes on RNA splicing suggest that this variant may disrupt the consensus splice site. In summary, the currently available evidence indicates that the variant is pathogenic, but additional data are needed to prove that conclusively. Therefore, this variant has been classified as Likely Pathogenic.

Literature cited by the submitters: PubMed 16473856; PubMed 16199547; PubMed 11023379.